The following is an entry in ClinVar:

ClinVar aggregate classification (germline): Pathogenic (1 of 4 stars; one submission).

Conditions:
Bardet-Biedl syndrome (BBS). Identifiers: Orphanet 110, MedGen C0752166, MONDO:0015229.

Submission:

Labcorp Genetics (formerly Invitae), Labcorp
Classification: Pathogenic for Bardet-Biedl syndrome. Last evaluated: 2022-03-10. Review status: criteria provided, single submitter. Criteria: Invitae Variant Classification Sherloc (09022015). Collection method: clinical testing. Allele origin: germline.
Comment: For these reasons, this variant has been classified as Pathogenic. This variant has not been reported in the literature in individuals affected with BBS9-related conditions. This variant is a gross deletion of the genomic region encompassing exon(s) 6-9 of the BBS9 gene. This deletion is out-of-frame, and is expected to create a premature termination codon and result in an absent or disrupted protein product. Loss-of-function variants in BBS9 are known to be pathogenic (PMID: 16380913, 20177705).

Literature cited by the submitters: PubMed 16380913; PubMed 20177705.

NC_000007.13:g.(?_33296828)_(33313588_?)del

Gene: BBS9 (Bardet-Biedl syndrome 9; plus strand). Cytogenetic location: 7p14.3.
Variant type: Deletion.
Identifiers: ClinVar variation 1460323 (VCV001460323.5).